The following is an entry in ClinVar:

NM_000038.6(APC):c.2136_2139del (p.His712fs)

Gene: APC (APC regulator of Wnt signaling pathway; plus strand). Cytogenetic location: 5q22.2.
Variant type: Microsatellite.
Coding change: c.2136_2139del on transcript NM_000038.6 (MANE Select); coding-DNA positions 2136 to 2139, 4 bases deleted (TTCA; older notation c.2136_2139delTTCA).
Protein change: p.His712fs; shifts the reading frame from histidine 712.
Molecular consequence: frameshift variant.
Genome position (GRCh38, 1-based): chr5:112,837,730-112,837,733, TTCA deleted; deleting any 4 consecutive bases within chr5:112,837,723-112,837,733 gives the same sequence; the c. name uses the placement nearest the transcript's 3' end. VCF-style (leftmost placement, unchanged base first): chr5-112837722-CTCAT-C. GRCh37 (hg19) VCF-style: chr5-112173419-CTCAT-C.
Other names: c.2136_2139del, p.His712fs (NM_001127510.3, NM_001354895.2); c.2082_2085del, p.His694fs (NM_001127511.3); c.2190_2193del, p.His730fs (NM_001354896.2); c.2166_2169del, p.His722fs (NM_001354897.2); c.2061_2064del, p.His687fs (NM_001354898.2); c.2052_2055del, p.His684fs (NM_001354899.2); c.2013_2016del, p.His671fs (NM_001354900.2); c.1959_1962del, p.His653fs (NM_001354901.2); and 16 more; short protein forms H429fs, H671fs, H687fs, H694fs, H586fs, H611fs, H552fs, H621fs.
Identifiers: ClinVar variation 1786473 (VCV001786473.2), dbSNP rs2533398992, ClinGen allele CA658760681.
Genomic context (GRCh38, chr5:112,837,722, plus strand): 5'-AGAAATCCTAAAGACCAGGAAGCATTATGGGACATGGGGGCAGTTAGCATGCTCAAGAAC[CTCAT>C]TCATTCAAAGCACAAAATGATTGCTATGGGAAGTGCTGCAGCTTTAAGGAATCTCATGGC-3'

ClinVar aggregate classification (germline): Pathogenic (1 of 4 stars; one submission).

Conditions:
Hereditary cancer-predisposing syndrome. Also called: Neoplastic Syndromes, Hereditary; Tumor predisposition; Hereditary Cancer Syndrome; Hereditary neoplastic syndrome. Identifiers: Orphanet 140162, MedGen C0027672, MeSH D009386, MONDO:0015356.

Submission:

Ambry Genetics
Classification: Pathogenic for Hereditary cancer-predisposing syndrome. Last evaluated: 2016-05-26. Review status: criteria provided, single submitter. Criteria: Ambry Variant Classification Scheme 2023. Collection method: clinical testing. Allele origin: germline.
Comment: The c.2136_2139delTTCA pathogenic mutation, located in coding exon 15 of the APC gene, results from a deletion of 4 nucleotides between nucleotide positions 2136 and 2139, causing a translational frameshift with a predicted alternate stop codon. This alteration has been reported in multiple individuals with Familial Adenomatous Polyposis (FAP) (Friedl W & Aretz S. Hered Cancer Clin Pract. 2005 Sep;3(3):95-114; Garz&oacute;n-Benavides M et al. Rev Esp Enferm Dig. 2010 Nov;102(11):653-7). In addition to the clinical data presented in the literature, since frameshifts are typically deleterious in nature, this alteration is interpreted as a disease-causing mutation (ACMG Recommendations for Standards for Interpretation and Reporting of Sequence Variations. Revision 2007. Genet Med. 2008;10:294).

Literature cited by the submitters: PubMed 20223039; PubMed 21142386.